The following is an entry in ClinVar:

ClinVar aggregate classification (germline): Benign; risk factor. Review status: no assertion criteria provided (0 of 4 stars). 2 submissions from 2 submitters: Benign (1). Last evaluated 2019-11-25.

Conditions:
Myocardial infarction, susceptibility to. Identifiers: MedGen C1832662, MONDO:0012039, OMIM 608446.
OLR1-related disorder. Also called: OLR1-related condition.

Allele frequency attached by ClinVar (database versions not stated): gnomAD exomes 0.10781; ExAC 0.11506; gnomAD 0.12471 and 0.12637; TOPMed 0.12679; 1000 Genomes Project 30x 0.16177; 1000 Genomes Project 0.16314.
gnomAD v4.1: 164,292 of 1,613,828 alleles (10%); highest among the groups gnomAD compares: African/African-American, 22%; 10,148 homozygotes.

Submissions (2):

PreventionGenetics, part of Exact Sciences
Classification: Benign for OLR1-related condition. Last evaluated: 2019-11-25. Review status: no assertion criteria provided. Collection method: clinical testing. Allele origin: germline.
Comment: This variant is classified as benign based on ACMG/AMP sequence variant interpretation guidelines (Richards et al. 2015 PMID: 25741868, with internal and published modifications).

OMIM
Classification: risk factor for MYOCARDIAL INFARCTION, SUSCEPTIBILITY TO. Last evaluated: 2003-03-28. Review status: no assertion criteria provided. Collection method: literature only. Allele origin: germline.

Literature cited by the submitters: PubMed 12646194 (cited by OMIM).

NM_002543.4(OLR1):c.501G>C (p.Lys167Asn)

Gene: OLR1 (oxidized low density lipoprotein receptor 1; minus strand). Cytogenetic location: 12p13.2.
Variant type: single nucleotide variant.
Coding change: c.501G>C on transcript NM_002543.4 (MANE Select); coding-DNA position 501, G replaced by C.
Protein change: p.Lys167Asn; replaces lysine 167 with asparagine.
Molecular consequence: missense variant. On other transcripts: intron variant (1).
Genome position (GRCh38, 1-based): chr12:10,160,849, C>G on the plus strand (G>C on the coding strand, the complement: OLR1 is on the minus strand). VCF-style: chr12-10160849-C-G. GRCh37 (hg19) VCF-style: chr12-10313448-C-G.
Other names: c.501G>C, p.Lys167Asn (NM_001172633.2); c.425-387G>C (NM_001172632.2); c.501G>C (NM_002543.3); short protein forms K167N.
Identifiers: ClinVar variation 6994 (VCV000006994.5), dbSNP rs11053646, ClinGen allele CA118582.
Genomic context (GRCh38, chr12:10,160,849, plus strand): 5'-ATCAGCTGTGCTATTAATTTTCAGCAACTTGGCATCCAAAGACAAGCACTTCTCTTGGCT[C>G]TTTTCCCAGTTAAATGAGCCCGAGGAAAATAGGTAACAGTTTTCTCCATGCCAGATCCAG-3'
Protein context (NP_002534.1, residues 157-177): LFSSGSFNWE[Lys167Asn]SQEKCLSLDA